The following is an entry in ClinVar:

ClinVar aggregate classification (germline): Uncertain significance (1 of 4 stars; one submission).

Conditions:
Inborn genetic diseases. Identifiers: MedGen C0950123, MeSH D030342.

gnomAD v4.1: 4 of 1,613,934 alleles (0.00025%); highest among the groups gnomAD compares: Non-Finnish European, 0.00034%; no homozygotes.

Submission:

Ambry Genetics
Classification: Uncertain significance for Inborn genetic diseases. Last evaluated: 2026-01-25. Review status: criteria provided, single submitter. Criteria: Ambry Variant Classification Scheme 2023. Collection method: clinical testing. Allele origin: germline.
Comment: The c.1133T>C (p.I378T) alteration is located in exon 13 (coding exon 13) of the ACTL6B gene. This alteration results from a T to C substitution at nucleotide position 1133, causing the isoleucine (I) at amino acid position 378 to be replaced by a threonine (T). Based on data from gnomAD, the C allele has an overall frequency of <0.001% (1/251082) total alleles studied. The highest observed frequency was 0.001% (1/113528) of European (non-Finnish) alleles. Based on insufficient or conflicting evidence, the clinical significance of this alteration remains unclear.

NM_016188.5(ACTL6B):c.1133T>C (p.Ile378Thr)

Gene: ACTL6B (actin like 6B; minus strand). Cytogenetic location: 7q22.1.
Variant type: single nucleotide variant.
Coding change: c.1133T>C on transcript NM_016188.5 (MANE Select); coding-DNA position 1133, T replaced by C.
Protein change: p.Ile378Thr; replaces isoleucine 378 with threonine.
Molecular consequence: missense variant. On other transcripts: non-coding transcript variant (1).
Genome position (GRCh38, 1-based): chr7:100,646,316, A>G on the plus strand (T>C on the coding strand, the complement: ACTL6B is on the minus strand). VCF-style: chr7-100646316-A-G. GRCh37 (hg19) VCF-style: chr7-100243939-A-G.
Other names: short protein forms I378T.
Identifiers: ClinVar variation 4839694 (VCV004839694.1).